The following is an entry in ClinVar:

NM_201599.3(ZMYM3):c.323_325del (p.Gly108del)

Gene: ZMYM3 (zinc finger MYM-type containing 3; minus strand). Cytogenetic location: Xq13.1.
Variant type: Deletion.
Coding change: c.323_325del on transcript NM_201599.3 (MANE Select); coding-DNA positions 323 to 325, 3 bases deleted (GAG; older notation c.323_325delGAG).
Protein change: p.Gly108del; deletes glycine 108.
Molecular consequence: inframe deletion.
Genome position (GRCh38, 1-based): chrX:71,252,931-71,252,933, CTC deleted on the plus strand (GAG on the coding strand, the reverse complement: ZMYM3 is on the minus strand); deleting any 3 consecutive bases within chrX:71,252,931-71,252,935 gives the same sequence; the c. name uses the placement nearest the transcript's 3' end. VCF-style (leftmost placement, unchanged base first): chrX-71252930-TCTC-T. GRCh37 (hg19) VCF-style: chrX-70472780-TCTC-T.
Other names: c.323_325del, p.Gly108del (NM_001171162.1, NM_001171163.1, NM_005096.3); short protein forms G108del.
Identifiers: ClinVar variation 4884026 (VCV004884026.2).

ClinVar aggregate classification (germline): Uncertain significance (1 of 4 stars; one submission).

Conditions:
Intellectual developmental disorder, X-linked 112 (XLID112). Identifiers: MedGen C5829589, MONDO:0957496, OMIM 301111.

Submission:

Dasa
Classification: Uncertain significance for Intellectual developmental disorder, X-linked 112. Last evaluated: 2026-04-23. Review status: criteria provided, single submitter. Criteria: DASA Assertion Criteria. Collection method: clinical testing. Allele origin: germline.
Comment: NM_201599.3(ZMYM3):c.323_325del (p.Gly108del) is an in-frame deletion predicted to remove glycine at protein position 108 without shifting the reading frame. This variant is rare in population databases. The currently available literature and clinical evidence are not sufficient to establish a definitive association between this variant and the reported condition. Therefore, this variant is classified as a variant of uncertain significance.